The following continues an entry in ClinVar:

NM_000257.4(MYH7):c.5135G>A (p.Arg1712Gln)

ClinVar aggregate classification (germline): Pathogenic. Pathogenic (1).

Submissions 8 to 20 of 33:

Color Diagnostics, LLC DBA Color Health
Classification: Pathogenic for Cardiomyopathy. Last evaluated: 2024-11-05. Review status: criteria provided, single submitter. Criteria: ACMG Guidelines, 2015. Collection method: clinical testing. Allele origin: germline. Not counted in ClinVar's aggregate classification.
Comment: This missense variant replaces arginine with glutamine at codon 1712 in the LMM domain of the MYH7 protein. Computational prediction tool is inconclusive regarding the impact of this variant on protein structure and function. To our knowledge, functional studies have not been reported for this variant. This variant has been reported in over 30 individuals affected with hypertrophic cardiomyopathy (PMID: 18403758, 21511876, 23785128, 24510615, 27247418, 27532257, 28771489, 30297972, 31308319, 33495596, 33495597, 34352619, 34542152, 35026164, 35176171, 38489124, 38757491). It has been shown that this variant segregates with disease in over 20 affected relatives across at least 10 families (PMID: 37488328; ClinVar SCV000564455.5). This variant has been shown to have both age- and sex-dependent penetrance (PMID: 37488328). This variant has been identified in 6/282354 chromosomes in the general population by the Genome Aggregation Database (gnomAD). A different variant affecting the same codon, p.Arg1712Trp, is considered to be disease-causing (Clinvar variation ID: 14118), indicating that arginine at this position is important for MYH7 protein function. Based on the available evidence, this variant is classified as Pathogenic.

All of Us Research Program, National Institutes of Health
Classification: Pathogenic for Hypertrophic cardiomyopathy. Last evaluated: 2024-09-28. Review status: criteria provided, single submitter. Criteria: ACMG Guidelines, 2015. Collection method: clinical testing. Allele origin: germline. Inheritance: Autosomal dominant inheritance. Observed: 8 variant alleles, 8 heterozygotes. Not counted in ClinVar's aggregate classification.
Comment: This missense variant replaces arginine with glutamine at codon 1712 in the LMM domain of the MYH7 protein. Computational prediction is inconclusive regarding the impact of this variant on protein structure and function (internally defined REVEL score threshold 0.5 < inconclusive < 0.7, PMID: 27666373). To our knowledge, functional studies have not been reported for this variant. This variant has been reported in over 30 individuals affected with hypertrophic cardiomyopathy (PMID: 18403758, 21511876, 23785128, 24510615, 27247418, 27532257, 28771489, 30297972, 31308319, 33495596, 33495597, 34352619, 34542152, 35026164, 35176171). It has been shown that this variant segregates with disease in over 20 affected relatives across at least 10 families (PMID: 37488328; ClinVar SCV000564455.5). This variant has been shown to have both age- and sex-dependent penetrance (PMID: 37488328). This variant has been identified in 6/282354 chromosomes in the general population by the Genome Aggregation Database (gnomAD). A different variant affecting the same codon, p.Arg1712Trp, is considered to be disease-causing (Clinvar variation ID: 14118), indicating that arginine at this position is important for MYH7 protein function. Based on the available evidence, this variant is classified as Pathogenic.

This study involves interpretation of variants in research participants for the purpose of population health screening. Participant phenotype was not available at the time of variant classification. Additional details can be found in publication PMID: 35346344, PMCID: PMC8962531

Women's Health and Genetics/Laboratory Corporation of America, LabCorp
Classification: Pathogenic for Primary familial hypertrophic cardiomyopathy. Last evaluated: 2023-09-07. Review status: criteria provided, single submitter. Criteria: LabCorp Variant Classification Summary - May 2015. Collection method: clinical testing. Allele origin: germline. Not counted in ClinVar's aggregate classification.
Comment: Variant summary: MYH7 c.5135G>A (p.Arg1712Gln) results in a conservative amino acid change in the encoded protein sequence. Three of five in-silico tools predict a damaging effect of the variant on protein function. The variant allele was found at a frequency of 2e-05 in 251880 control chromosomes. c.5135G>A has been reported in the literature in multiple individuals affected with Hypertrophic Cardiomyopathy (e.g. Lopes_2015, Miller_2013, Morita_2008, Helms_2016, Sepp_2022, Pollman_2021). Additionally, another change at the same amino acid c.5134C>T (p.Arg1712Trp) has been classified as pathogenic/likely pathogenic in ClinVar by multiple submitters supporting the functional importance of this residue of the protein. These data indicate that the variant is very likely to be associated with disease. One publication reports experimental evidence evaluating an impact on protein function, however, does not allow convincing conclusions about the variant effect. The following publications have been ascertained in the context of this evaluation (PMID: 18403758, 20298698, 23074333, 24835277, 27247418, 27532257, 27688314, 28193612, 25892673, 21511876, 33673806, 24510615, 25351510, 23054336, 23785128, 35626289, 34830538). 21 submitters have cited clinical-significance assessments for this variant to ClinVar after 2014. All submitters classified the variant as pathogenic/likely pathogenic. Based on the evidence outlined above, the variant was classified as pathogenic.

CHEO Genetics Diagnostic Laboratory, Children's Hospital of Eastern Ontario
Classification: Pathogenic for Cardiomyopathy. Last evaluated: 2023-04-27. Review status: criteria provided, single submitter. Criteria: ACMG Guidelines, 2015. Collection method: clinical testing. Allele origin: germline. Not counted in ClinVar's aggregate classification.

GeneDx
Classification: Pathogenic. Last evaluated: 2023-04-06. Review status: criteria provided, single submitter. Criteria: GeneDx Variant Classification Process June 2021. Collection method: clinical testing. Allele origin: germline. Affected: yes. Not counted in ClinVar's aggregate classification.
Comment: Not observed at a significant frequency in large population cohorts (gnomAD); In silico analysis supports that this missense variant has a deleterious effect on protein structure/function; This variant is associated with the following publications: (PMID: 30531895, 34542152, 21310275, 21511876, 15483641, 18403758, 25351510, 23074333, 23785128, 24510615, 24835277, 23054336, 27247418, 27688314, 27532257, 28193612, 28241245, 20298698, 29661763, 30022097, 31737537, 30847666, 31447099, 28771489, 29300372, 32894683, 33087929, 34352619, 33673806, 35626289, 35653365)

Revvity Omics, Revvity
Classification: Likely pathogenic. Last evaluated: 2023-03-30. Review status: criteria provided, single submitter. Criteria: ACMG Guidelines, 2015. Collection method: clinical testing. Allele origin: germline. Not counted in ClinVar's aggregate classification.

CeGaT Center for Human Genetics Tuebingen
Classification: Pathogenic. Last evaluated: 2023-02-01. Review status: criteria provided, single submitter. Criteria: CeGaT Center For Human Genetics Tuebingen Variant Classification Criteria Version 2. Collection method: clinical testing. Allele origin: germline. Affected: yes. Observed: 1 variant allele. Not counted in ClinVar's aggregate classification.
Comment: MYH7: PP1:Strong, PM5, PS4:Moderate, PP2, PP3

Laboratory for Molecular Medicine, Mass General Brigham Personalized Medicine
Classification: Pathogenic for Hypertrophic cardiomyopathy. Last evaluated: 2022-12-19. Review status: criteria provided, single submitter. Criteria: ACMG Guidelines, 2015. Collection method: clinical testing. Allele origin: germline. Inheritance: Autosomal dominant inheritance. Not counted in ClinVar's aggregate classification.
Comment: The p.Arg1712Gln variant in MYH7 has been reported in more than 15 individuals with hypertrophic cardiomyopathy (HCM; Morita 2008 PMID: 18403758, Gruner 2011 PMID: 21511876, Mook 2013 PMID: 23785128, Walsh 2016 PMID: 27532257, LMM data), including at least 1 individual with a likely disease-causing variant in another gene. This variant did not segregate with disease in one affected family member from one family (Mook 2013 PMID: 23785128), but did segregate in more than 15 affected individuals with HCM in at least 9 families (LMM internal data, GeneDx personal communication, Mayo Personal Communication, OMGL personal communication). This variant has been identified in 0.0045 (3/68048) of European chromosomes by the Genome Aggregation Database (gnomAD,, v.3.1.2). This variant has been classified as pathogenic on December 9, 2021 by the ClinGen Cardiomyopathy Variant Curation Expert Panel (Variation ID 36642). In summary, this variant meets criteria to be classified as pathogenic for autosomal dominant HCM. Criteria applied (Richards 2015): PS4, PP1_Strong, PM2_Supporting.

Clinical Genetics Laboratory, Skane University Hospital Lund
Classification: Likely pathogenic. Last evaluated: 2022-05-27. Review status: criteria provided, single submitter. Criteria: ACMG Guidelines, 2015. Collection method: clinical testing. Allele origin: germline. Affected: yes. Not counted in ClinVar's aggregate classification.

Molecular Diagnostic Laboratory for Inherited Cardiovascular Disease, Montreal Heart Institute
Classification: Pathogenic for Cardiovascular phenotype. Last evaluated: 2022-02-16. Review status: criteria provided, single submitter. Criteria: ACMG Guidelines, 2015. Collection method: clinical testing. Allele origin: germline. Affected: yes. Not counted in ClinVar's aggregate classification.

Fulgent Genetics
Classification: Likely pathogenic for MYH7-related skeletal myopathy; Myosin storage myopathy; Hypertrophic cardiomyopathy 1; Myopathy, myosin storage, autosomal recessive; Congenital myopathy 4A, autosomal dominant; Dilated cardiomyopathy 1S. Last evaluated: 2021-08-06. Review status: criteria provided, single submitter. Criteria: ACMG Guidelines, 2015. Collection method: clinical testing. Allele origin: unknown. Not counted in ClinVar's aggregate classification.

MGZ Medical Genetics Center
Classification: Likely pathogenic for Hypertrophic cardiomyopathy 1. Last evaluated: 2021-08-02. Review status: criteria provided, single submitter. Criteria: ACMG Guidelines, 2015. Collection method: clinical testing. Allele origin: germline. Affected: yes. Observed: 1 variant allele. Not counted in ClinVar's aggregate classification.
Comment: ACMG criteria applied: PS4, PM2_SUP, PP1, PP3

Institute of Medical Genetics and Applied Genomics, University Hospital Tübingen
Classification: Pathogenic. Last evaluated: 2020-10-23. Review status: criteria provided, single submitter. Criteria: ACMG Guidelines, 2015. Collection method: clinical testing. Allele origin: germline. Inheritance: Autosomal unknown. Affected: yes. Not counted in ClinVar's aggregate classification.